The following is an entry in ClinVar:

ClinVar aggregate classification (germline): Benign/Likely benign. Review status: criteria provided, multiple submitters, no conflicts (2 of 4 stars). 5 submissions from 5 submitters: Benign (1); Likely benign (4). Last evaluated 2025-01-29.

Conditions:
Hereditary cancer-predisposing syndrome. Also called: Neoplastic Syndromes, Hereditary; Hereditary Cancer Syndrome; Tumor predisposition; Hereditary neoplastic syndrome. Identifiers: Orphanet 140162, MedGen C0027672, MeSH D009386, MONDO:0015356.
Oligodontia-cancer predisposition syndrome. Also called: TOOTH AGENESIS-COLORECTAL CANCER SYNDROME. Identifiers: Orphanet 300576, MedGen C1837750, MONDO:0012075, OMIM 608615. Disease mechanism: loss of function.

Allele frequency attached by ClinVar (database versions not stated): gnomAD 0.00003.
gnomAD v4.1: 10 of 1,613,714 alleles (0.00062%); highest among the groups gnomAD compares: African/African-American, 0.004%; no homozygotes.

Submissions (5):

Labcorp Genetics (formerly Invitae), Labcorp
Classification: Likely benign for Oligodontia-cancer predisposition syndrome. Last evaluated: 2025-01-29. Review status: criteria provided, single submitter. Criteria: Invitae Variant Classification Sherloc (09022015). Collection method: clinical testing. Allele origin: germline.

Myriad Genetics, Inc.
Classification: Benign for Oligodontia-cancer predisposition syndrome. Last evaluated: 2024-07-05. Review status: criteria provided, single submitter. Criteria: Myriad Autosomal Dominant, Autosomal Recessive and X-Linked Classification Criteria (2023). Collection method: clinical testing. Allele origin: unknown.
Comment: This variant is considered benign. This variant is a silent/synonymous amino acid change and it is not expected to impact splicing.

Women's Health and Genetics/Laboratory Corporation of America, LabCorp
Classification: Likely benign. Last evaluated: 2022-05-21. Review status: criteria provided, single submitter. Criteria: LabCorp Variant Classification Summary - May 2015. Collection method: clinical testing. Allele origin: germline.

Ambry Genetics
Classification: Likely benign for Hereditary cancer-predisposing syndrome. Last evaluated: 2020-11-14. Review status: criteria provided, single submitter. Criteria: Ambry Variant Classification Scheme 2023. Collection method: clinical testing. Allele origin: germline.

GeneDx
Classification: Likely benign. Last evaluated: 2017-01-17. Review status: criteria provided, single submitter. Criteria: GeneDx Variant Classification (06012015). Collection method: clinical testing. Allele origin: germline. Affected: yes.
Comment: This variant is considered likely benign or benign based on one or more of the following criteria: it is a conservative change, it occurs at a poorly conserved position in the protein, it is predicted to be benign by multiple in silico algorithms, and/or has population frequency not consistent with disease.

NM_004655.4(AXIN2):c.1665C>T (p.Cys555=)

Gene: AXIN2 (axin 2; minus strand). Cytogenetic location: 17q24.1.
Variant type: single nucleotide variant.
Coding change: c.1665C>T on transcript NM_004655.4 (MANE Select); coding-DNA position 1665, C replaced by T.
Protein change: p.Cys555=; no amino-acid change (cysteine 555 retained).
Molecular consequence: synonymous variant.
Genome position (GRCh38, 1-based): chr17:65,537,371, G>A on the plus strand (C>T on the coding strand, the complement: AXIN2 is on the minus strand). VCF-style: chr17-65537371-G-A. GRCh37 (hg19) VCF-style: chr17-63533489-G-A.
Other names: c.1665C>T (LRG_296t1); c.1665C>T, p.Cys555= (NM_001363813.1).
Identifiers: ClinVar variation 393104 (VCV000393104.13), dbSNP rs562421443, ClinGen allele CA16607445.